The following is an entry in ClinVar:

ClinVar aggregate classification (germline): Uncertain significance. Review status: criteria provided, multiple submitters, no conflicts (2 of 4 stars). 4 submissions from 4 submitters: Uncertain significance (4). Last evaluated 2025-12-29.

Conditions:
ACD-related disorder. Also called: ACD-related condition.
Inborn genetic diseases. Identifiers: MedGen C0950123, MeSH D030342.
Dyskeratosis congenita, autosomal dominant 6 (DKCA6). Identifiers: Orphanet 3322, MedGen C4225284, MONDO:0014690, OMIM 616553.

Allele frequency attached by ClinVar (database versions not stated): gnomAD 0.00001; TOPMed 0.00002; gnomAD exomes 0.00003; ExAC 0.00004.
gnomAD v4.1: 58 of 1,575,088 alleles (0.0037%); highest among the groups gnomAD compares: Non-Finnish European, 0.0048%; no homozygotes.

Submissions (4):

Center for Genomic Medicine, Rigshospitalet, Copenhagen University Hospital
Classification: Uncertain significance. Last evaluated: 2025-12-29. Review status: criteria provided, single submitter. Criteria: ACMG Guidelines, 2015. Collection method: clinical testing. Allele origin: germline.

PreventionGenetics, part of Exact Sciences
Classification: Uncertain significance for ACD-related condition. Last evaluated: 2025-07-30. Review status: criteria provided, single submitter. Criteria: ACMG Guidelines, 2015. Collection method: clinical testing. Allele origin: germline.
Comment: The ACD c.1039C>G variant is predicted to result in the amino acid substitution p.Leu347Val. To our knowledge, this variant has not been reported in the literature. This variant is reported in 0.0061% of alleles in individuals of European (Non-Finnish) descent in gnomAD. At this time, the clinical significance of this variant is uncertain due to the absence of conclusive functional and genetic evidence.

Labcorp Genetics (formerly Invitae), Labcorp
Classification: Uncertain significance for Dyskeratosis congenita, autosomal dominant 6. Last evaluated: 2025-06-15. Review status: criteria provided, single submitter. Criteria: Invitae Variant Classification Sherloc (09022015). Collection method: clinical testing. Allele origin: germline.
Comment: This sequence change replaces leucine, which is neutral and non-polar, with valine, which is neutral and non-polar, at codon 347 of the ACD protein (p.Leu347Val). This variant is present in population databases (rs760404492, gnomAD 0.007%). This variant has not been reported in the literature in individuals affected with ACD-related conditions. ClinVar contains an entry for this variant (Variation ID: 643676). Invitae Evidence Modeling of protein sequence and biophysical properties (such as structural, functional, and spatial information, amino acid conservation, physicochemical variation, residue mobility, and thermodynamic stability) has been performed for this missense variant. However, the output from this modeling did not meet the statistical confidence thresholds required to predict the impact of this variant on ACD protein function. In summary, the available evidence is currently insufficient to determine the role of this variant in disease. Therefore, it has been classified as a Variant of Uncertain Significance.

Ambry Genetics
Classification: Uncertain significance for Inborn genetic diseases. Last evaluated: 2023-07-13. Review status: criteria provided, single submitter. Criteria: Ambry Variant Classification Scheme 2023. Collection method: clinical testing. Allele origin: germline.
Comment: The p.L347V variant (also known as c.1039C>G), located in coding exon 9 of the ACD gene, results from a C to G substitution at nucleotide position 1039. The leucine at codon 347 is replaced by valine, an amino acid with highly similar properties. This amino acid position is conserved. In addition, this alteration is predicted to be tolerated by in silico analysis. Since supporting evidence is limited at this time, the clinical significance of this alteration remains unclear.

NM_001082486.2(ACD):c.781C>G (p.Leu261Val)

Gene: ACD (ACD shelterin complex subunit and telomerase recruitment factor; minus strand). Cytogenetic location: 16q22.1.
Variant type: single nucleotide variant.
Coding change: c.781C>G on transcript NM_001082486.2 (MANE Select); coding-DNA position 781, C replaced by G.
Protein change: p.Leu261Val; replaces leucine 261 with valine.
Molecular consequence: missense variant.
Genome position (GRCh38, 1-based): chr16:67,658,603, G>C on the plus strand (C>G on the coding strand, the complement: ACD is on the minus strand). VCF-style: chr16-67658603-G-C. GRCh37 (hg19) VCF-style: chr16-67692506-G-C.
Other names: c.781C>G, p.Leu261Val (LRG_1237t1); c.772C>G, p.Leu258Val (NM_022914.3); short protein forms L258V, L261V.
Identifiers: ClinVar variation 643676 (VCV000643676.13), dbSNP rs760404492, ClinGen allele CA8114534.